The following is an entry in ClinVar:

NM_138295.5(PKD1L1):c.3814A>G (p.Lys1272Glu)

Gene: PKD1L1 (polycystin 1 like 1, transient receptor potential channel interacting; minus strand). Cytogenetic location: 7p12.3.
Variant type: single nucleotide variant.
Coding change: c.3814A>G on transcript NM_138295.5 (MANE Select); coding-DNA position 3814, A replaced by G.
Protein change: p.Lys1272Glu; replaces lysine 1272 with glutamic acid.
Molecular consequence: missense variant.
Genome position (GRCh38, 1-based): chr7:47,873,981, T>C on the plus strand (A>G on the coding strand, the complement: PKD1L1 is on the minus strand). VCF-style: chr7-47873981-T-C. GRCh37 (hg19) VCF-style: chr7-47913579-T-C.
Other names: short protein forms K1272E.
Identifiers: ClinVar variation 1273513 (VCV001273513.11), dbSNP rs1470859, ClinGen allele CA4253294.
Genomic context (GRCh38, chr7:47,873,981, plus strand): 5'-TTCCATGGTAGCGGGGCAGCACAGTCACCACCACAGTGCACGGCTGGACCTTGGAGCCTT[T>C]GCCATCTGTGATTTCAGTGGAAACCATGACTGTGAGGGAACATGTCAGAAGAGGGTCATC-3'
Protein context (NP_612152.1, residues 1262-1282): VMVSTEITDG[Lys1272Glu]GSKVQPCTVV

ClinVar aggregate classification (germline): Benign. Review status: criteria provided, multiple submitters, no conflicts (2 of 4 stars). 5 submissions from 5 submitters: Benign (4). 1 of the submissions does not count toward it. Last evaluated 2026-02-03.

Conditions:
PKD1L1-related disorder. Also called: PKD1L1-related condition.
Heterotaxy, visceral, 8, autosomal (HTX8). Identifiers: MedGen C4310668, MONDO:0014967, OMIM 617205.

Allele frequency attached by ClinVar (database versions not stated): gnomAD exomes 0.83924 and 0.86841; ExAC 0.86883; ESP Exome Variant Server 0.87237; TOPMed 0.88769; 1000 Genomes Project 0.91853; 1000 Genomes Project 30x 0.91989.
gnomAD v4.1: 1,357,932 of 1,610,144 alleles (84%); highest among the groups gnomAD compares: East Asian, 98%; 574,598 homozygotes.

Submissions (5):

Labcorp Genetics (formerly Invitae), Labcorp
Classification: Benign. Last evaluated: 2026-02-03. Review status: criteria provided, single submitter. Criteria: Invitae Variant Classification Sherloc (09022015). Collection method: clinical testing. Allele origin: germline.

Blueprint Genetics
Classification: Benign. Last evaluated: 2024-11-27. Review status: criteria provided, single submitter. Criteria: ACMG Guidelines, 2015. Collection method: clinical testing. Allele origin: germline.

Genome-Nilou Lab
Classification: Benign for Heterotaxy, visceral, 8, autosomal. Last evaluated: 2021-09-05. Review status: criteria provided, single submitter. Criteria: ACMG Guidelines, 2015. Collection method: clinical testing. Allele origin: germline. Affected: no.

GeneDx
Classification: Benign. Last evaluated: 2018-11-12. Review status: criteria provided, single submitter. Criteria: GeneDx Variant Classification Process June 2021. Collection method: clinical testing. Allele origin: germline. Affected: yes.

PreventionGenetics, part of Exact Sciences
Classification: Benign for PKD1L1-related condition. Last evaluated: 2021-11-27. Review status: no assertion criteria provided. Collection method: clinical testing. Allele origin: germline. Not counted in ClinVar's aggregate classification.
Comment: This variant is classified as benign based on ACMG/AMP sequence variant interpretation guidelines (Richards et al. 2015 PMID: 25741868, with internal and published modifications).